The following is an entry in ClinVar:

NM_007186.6(CEP250):c.3275C>T (p.Ala1092Val)

Gene: CEP250 (centrosomal protein 250; plus strand). Cytogenetic location: 20q11.22.
Variant type: single nucleotide variant.
Coding change: c.3275C>T on transcript NM_007186.6 (MANE Select); coding-DNA position 3275, C replaced by T.
Protein change: p.Ala1092Val; replaces alanine 1092 with valine.
Molecular consequence: missense variant.
Genome position (GRCh38, 1-based): chr20:35,496,684, C>T. VCF-style: chr20-35496684-C-T. GRCh37 (hg19) VCF-style: chr20-34084513-C-T.
Other names: c.3275C>T (NM_007186.5); c.1379C>T, p.Ala460Val (NM_001318219.1); short protein forms A1092V, A460V.
Identifiers: ClinVar variation 1981534 (VCV001981534.2), dbSNP rs1477111303, ClinGen allele CA408742722.
Genomic context (GRCh38, chr20:35,496,684, plus strand): 5'-AAGAAGCTGACTCTATTCGACAACAAGAGCTGAGTGCCCTGCGCCAGGACATGCAGGAGG[C>T]CCAGGGAGAACAGAAAGAGCTCAGTGCTCAGGTACTTCCCACTCTGGTTATGAGCTCTGC-3'
Protein context (NP_009117.2, residues 1082-1102): LSALRQDMQE[Ala1092Val]QGEQKELSAQ

ClinVar aggregate classification (germline): Uncertain significance. Review status: criteria provided, multiple submitters, no conflicts (2 of 4 stars). 2 submissions from 2 submitters: Uncertain significance (2). Last evaluated 2026-07-24.

Conditions:
CEP250-related disorder. Also called: CEP250-related condition.

Allele frequency attached by ClinVar (database versions not stated): gnomAD exomes 0.00001; TOPMed 0.00001.
gnomAD v4.1: 3 of 1,614,006 alleles (0.00019%); highest among the groups gnomAD compares: Non-Finnish European, 0.00025%; no homozygotes.

Submissions (2):

PreventionGenetics, part of Exact Sciences
Classification: Uncertain significance for CEP250-related condition. Last evaluated: 2026-07-24. Review status: criteria provided, single submitter. Criteria: ACMG Guidelines, 2015. Collection method: clinical testing. Allele origin: germline.
Comment: The CEP250 c.3275C>T variant is predicted to result in the amino acid substitution p.Ala1092Val. To our knowledge, this variant has not been reported in the literature or in a large population database (gnomAD), indicating this variant is rare. At this time, the clinical significance of this variant is uncertain due to the absence of conclusive functional and genetic evidence.

Labcorp Genetics (formerly Invitae), Labcorp
Classification: Uncertain significance. Last evaluated: 2022-06-27. Review status: criteria provided, single submitter. Criteria: Invitae Variant Classification Sherloc (09022015). Collection method: clinical testing. Allele origin: germline.
Comment: This sequence change replaces alanine, which is neutral and non-polar, with valine, which is neutral and non-polar, at codon 1092 of the CEP250 protein (p.Ala1092Val). This variant is not present in population databases (gnomAD no frequency). This variant has not been reported in the literature in individuals affected with CEP250-related conditions. Algorithms developed to predict the effect of missense changes on protein structure and function are either unavailable or do not agree on the potential impact of this missense change (SIFT: "Not Available"; PolyPhen-2: "Probably Damaging"; Align-GVGD: "Not Available"). In summary, the available evidence is currently insufficient to determine the role of this variant in disease. Therefore, it has been classified as a Variant of Uncertain Significance.